The following is an entry in ClinVar:

NM_001385408.1(NBPF15):c.1763G>A (p.Cys588Tyr)

Gene: NBPF15 (NBPF member 15; minus strand). Cytogenetic location: 1q21.1.
Variant type: single nucleotide variant.
Coding change: c.1763G>A on transcript NM_001385408.1 (MANE Select); coding-DNA position 1763, G replaced by A.
Protein change: p.Cys588Tyr; replaces cysteine 588 with tyrosine.
Molecular consequence: missense variant.
Genome position (GRCh38, 1-based): chr1:144,423,876, C>T on the plus strand (G>A on the coding strand, the complement: NBPF15 is on the minus strand). VCF-style: chr1-144423876-C-T. GRCh37 (hg19) VCF-style: chr1-148593777-G-A.
Other names: c.1763G>A, p.Cys588Tyr (NM_001385413.1, NM_001385414.1, NM_001385415.1 and 43 more transcripts); c.1652G>A, p.Cys551Tyr (NM_001385442.1, NM_001385443.1, NM_001385444.1 and 1 more transcripts); c.1538G>A, p.Cys513Tyr (NM_001385446.1, NM_001385447.1); c.1847G>A, p.Cys616Tyr (NM_001385448.1); short protein forms C513Y, C551Y, C588Y, C616Y.
Identifiers: ClinVar variation 2639142 (VCV002639142.24), dbSNP rs587725226, ClinGen allele CA1068718.
Genomic context (GRCh38, chr1:144,423,876, plus strand): 5'-TGTTGCCTCCAGGTGTTAACACAGAATTAAGCATCCACAATTGCTGAAAGTTACCTGGGG[C>T]ATGGTGGGTTGTCATCTTCCCCTTCTTTTCTTCCCCTTCTTCTTTTCTTCTTTGATCTTC-3'
Protein context (NP_001372337.1, residues 578-598): RKEGEDDNPP[Cys588Tyr]PRLYGVLMEV

ClinVar aggregate classification (germline): Likely benign (1 of 4 stars; one submission).

Allele frequency attached by ClinVar (database versions not stated): 1000 Genomes Project 0.00080; 1000 Genomes Project 30x 0.00172; gnomAD 0.00394; ExAC 0.00806.
gnomAD v4.1: 3,460 of 771,004 alleles (0.45%); highest among the groups gnomAD compares: Non-Finnish European, 0.65%; 51 homozygotes.

Submission:

CeGaT Center for Human Genetics Tuebingen
Classification: Likely benign. Last evaluated: 2023-02-01. Review status: criteria provided, single submitter. Criteria: CeGaT Center For Human Genetics Tuebingen Variant Classification Criteria Version 2. Collection method: clinical testing. Allele origin: germline. Affected: yes. Observed: 1 variant allele.
Comment: NBPF15: BS2